The following is an entry in ClinVar:

NM_001376.5(DYNC1H1):c.10826T>C (p.Ile3609Thr)

Gene: DYNC1H1 (dynein cytoplasmic 1 heavy chain 1; plus strand). Cytogenetic location: 14q32.31.
Variant type: single nucleotide variant.
Coding change: c.10826T>C on transcript NM_001376.5 (MANE Select); coding-DNA position 10826, T replaced by C.
Protein change: p.Ile3609Thr; replaces isoleucine 3609 with threonine.
Molecular consequence: missense variant.
Genome position (GRCh38, 1-based): chr14:102,036,560, T>C. VCF-style: chr14-102036560-T-C. GRCh37 (hg19) VCF-style: chr14-102502897-T-C.
Other names: short protein forms I3609T.
Identifiers: ClinVar variation 835554 (VCV000835554.10), dbSNP rs2048577600, ClinGen allele CA391029815.

ClinVar aggregate classification (germline): Uncertain significance. Review status: criteria provided, multiple submitters, no conflicts (2 of 4 stars). 2 submissions from 2 submitters: Uncertain significance (2). Last evaluated 2022-08-30.

Conditions:
Charcot-Marie-Tooth disease axonal type 2O. Also called: CHARCOT-MARIE-TOOTH NEUROPATHY, AXONAL, TYPE 2O; CHARCOT-MARIE-TOOTH DISEASE, AXONAL, AUTOSOMAL DOMINANT, TYPE 2O; Charcot-Marie-Tooth Neuropathy Type 2O; Charcot-Marie-Tooth disease, axonal, type 20. Identifiers: Orphanet 284232, MedGen C3280220, MONDO:0013644, OMIM 614228.

Submissions (2):

GeneDx
Classification: Uncertain significance. Last evaluated: 2022-08-30. Review status: criteria provided, single submitter. Criteria: GeneDx Variant Classification Process June 2021. Collection method: clinical testing. Allele origin: germline. Affected: yes.
Comment: Not observed at significant frequency in large population cohorts (gnomAD); In silico analysis supports that this missense variant has a deleterious effect on protein structure/function; Has not been previously published as pathogenic or benign to our knowledge

Labcorp Genetics (formerly Invitae), Labcorp
Classification: Uncertain significance for Charcot-Marie-Tooth disease axonal type 2O. Last evaluated: 2020-03-05. Review status: criteria provided, single submitter. Criteria: Invitae Variant Classification Sherloc (09022015). Collection method: clinical testing. Allele origin: germline.
Comment: This variant is not present in population databases (ExAC no frequency). In summary, the available evidence is currently insufficient to determine the role of this variant in disease. Therefore, it has been classified as a Variant of Uncertain Significance. Algorithms developed to predict the effect of missense changes on protein structure and function (SIFT, PolyPhen-2, Align-GVGD) all suggest that this variant is likely to be disruptive, but these predictions have not been confirmed by published functional studies and their clinical significance is uncertain. This variant has not been reported in the literature in individuals with DYNC1H1-related conditions. This sequence change replaces isoleucine with threonine at codon 3609 of the DYNC1H1 protein (p.Ile3609Thr). The isoleucine residue is highly conserved and there is a moderate physicochemical difference between isoleucine and threonine.